The following is an entry in ClinVar:

ClinVar aggregate classification (germline): Uncertain significance (1 of 4 stars; one submission).

Conditions:
Cystic fibrosis (CF). Also called: MUCOVISCIDOSIS. Identifiers: Orphanet 586, MedGen C0010674, MONDO:0009061, OMIM 219700. Disease mechanism: loss of function.

Submission:

Ambry Genetics
Classification: Uncertain significance for Cystic fibrosis. Last evaluated: 2023-03-30. Review status: criteria provided, single submitter. Criteria: Ambry Variant Classification Scheme 2023. Collection method: clinical testing. Allele origin: germline.
Comment: The p.H1402R variant (also known as c.4205A>G), located in coding exon 26 of the CFTR gene, results from an A to G substitution at nucleotide position 4205. The histidine at codon 1402 is replaced by arginine, an amino acid with highly similar properties. This amino acid position is conserved. In addition, this alteration is predicted to be deleterious by in silico analysis. Since supporting evidence is limited at this time, the clinical significance of this alteration remains unclear.

NM_000492.4(CFTR):c.4205A>G (p.His1402Arg)

Gene: CFTR (CF transmembrane conductance regulator; plus strand). Cytogenetic location: 7q31.2.
Variant type: single nucleotide variant.
Coding change: c.4205A>G on transcript NM_000492.4 (MANE Select); coding-DNA position 4205, A replaced by G.
Protein change: p.His1402Arg; replaces histidine 1402 with arginine.
Molecular consequence: missense variant.
Genome position (GRCh38, 1-based): chr7:117,665,527, A>G. VCF-style: chr7-117665527-A-G. GRCh37 (hg19) VCF-style: chr7-117305581-A-G.
Other names: short protein forms H1402R.
Identifiers: ClinVar variation 2567870 (VCV002567870.2), dbSNP rs2485183144, ClinGen allele CA368983679.